The following is an entry in ClinVar:

ClinVar aggregate classification (germline): Uncertain significance. Review status: criteria provided, multiple submitters, no conflicts (2 of 4 stars). 2 submissions from 2 submitters: Uncertain significance (2). Last evaluated 2024-01-09.

Conditions:
Fanconi anemia complementation group I (FANCI). Also called: FANCI-Related Fanconi Anemia. Identifiers: Orphanet 84, MedGen C1836861, MONDO:0012186, OMIM 609053.
Fanconi anemia (FA). Also called: Fanconi's anemia. Identifiers: Orphanet 84, MedGen C0015625, MeSH D005199, MONDO:0019391.

Allele frequency attached by ClinVar (database versions not stated): gnomAD exomes below 0.00001 and 0.00001; ExAC 0.00001; gnomAD 0.00001; 1000 Genomes Project 30x 0.00016; 1000 Genomes Project 0.00020.
gnomAD v4.1: 4 of 1,598,312 alleles (0.00025%); highest among the groups gnomAD compares: South Asian, 0.0044%; no homozygotes.

Submissions (2):

Fulgent Genetics
Classification: Uncertain significance for Fanconi anemia complementation group I. Last evaluated: 2024-01-09. Review status: criteria provided, single submitter. Criteria: ACMG Guidelines, 2015. Collection method: clinical testing. Allele origin: germline.

Labcorp Genetics (formerly Invitae), Labcorp
Classification: Uncertain significance for Fanconi anemia. Last evaluated: 2021-12-05. Review status: criteria provided, single submitter. Criteria: Invitae Variant Classification Sherloc (09022015). Collection method: clinical testing. Allele origin: germline.
Comment: This sequence change falls in intron 36 of the FANCI gene. It does not directly change the encoded amino acid sequence of the FANCI protein. It affects a nucleotide within the consensus splice site. This variant is present in population databases (rs575207637, gnomAD 0.01%). This variant has not been reported in the literature in individuals affected with FANCI-related conditions. Variants that disrupt the consensus splice site are a relatively common cause of aberrant splicing (PMID: 17576681, 9536098). Algorithms developed to predict the effect of sequence changes on RNA splicing suggest that this variant is not likely to affect RNA splicing. In summary, the available evidence is currently insufficient to determine the role of this variant in disease. Therefore, it has been classified as a Variant of Uncertain Significance.

Literature cited by the submitters: PubMed 17576681 (cited by Labcorp Genetics (formerly Invitae), Labcorp); PubMed 9536098 (cited by Labcorp Genetics (formerly Invitae), Labcorp).

NM_001113378.2(FANCI):c.3816+4A>G

Gene: FANCI (FA complementation group I; plus strand). Cytogenetic location: 15q26.1.
Variant type: single nucleotide variant.
Coding change: c.3816+4A>G on transcript NM_001113378.2 (MANE Select); 4 bases into the intron after coding-DNA position 3816, A replaced by G.
Molecular consequence: intron variant.
Genome position (GRCh38, 1-based): chr15:89,314,711, A>G. VCF-style: chr15-89314711-A-G. GRCh37 (hg19) VCF-style: chr15-89857942-A-G.
Other names: c.3636+4A>G (NM_018193.3); c.3816+4A>G (NM_001376911.1); c.3537+4A>G (NM_001376910.1).
Identifiers: ClinVar variation 1362696 (VCV001362696.7), dbSNP rs575207637, ClinGen allele CA7723904.